The following is an entry in ClinVar:

NM_020884.7(MYH7B):c.1548C>T (p.Phe516=)

Gene: MYH7B (myosin heavy chain 7B; plus strand). Cytogenetic location: 20q11.22.
Variant type: single nucleotide variant.
Coding change: c.1548C>T on transcript NM_020884.7 (MANE Select); coding-DNA position 1548, C replaced by T.
Protein change: p.Phe516=; no amino-acid change (phenylalanine 516 retained).
Molecular consequence: synonymous variant.
Genome position (GRCh38, 1-based): chr20:34,988,223, C>T. VCF-style: chr20-34988223-C-T. GRCh37 (hg19) VCF-style: chr20-33576026-C-T.
Identifiers: ClinVar variation 737407 (VCV000737407.33), dbSNP rs183060273, ClinGen allele CA9826975.
Genomic context (GRCh38, chr20:34,988,223, plus strand): 5'-GTTTGTGCTGGAGCAGGAGGAGTACAAGCGGGAGGGCATCGACTGGGTCTTCATCGACTT[C>T]GGCCTTGACCTGCAGCCTTGCATCGACCTCATCGAGAAGGTGGGTGCCGCGGCAAGGTCA-3'
Protein context (NP_065935.4, residues 506-526): REGIDWVFID[Phe516=]GLDLQPCIDL

ClinVar aggregate classification (germline): Benign/Likely benign. Review status: criteria provided, multiple submitters, no conflicts (2 of 4 stars). 4 submissions from 4 submitters: Benign (2); Likely benign (1). 1 of the submissions does not count toward it. Last evaluated 2026-01-12.

Conditions:
MYH7B-related disorder. Also called: MYH7B-related condition.

Allele frequency attached by ClinVar (database versions not stated): gnomAD exomes 0.00077 and 0.00136; gnomAD 0.00094 and 0.00099; TOPMed 0.00116; ExAC 0.00132; ESP Exome Variant Server 0.00138; 1000 Genomes Project 0.00240; 1000 Genomes Project 30x 0.00250.
gnomAD v4.1: 1,294 of 1,614,076 alleles (0.08%); highest among the groups gnomAD compares: Middle Eastern, 1.1%; 8 homozygotes.

Submissions (4):

Labcorp Genetics (formerly Invitae), Labcorp
Classification: Benign. Last evaluated: 2026-01-12. Review status: criteria provided, single submitter. Criteria: Invitae Variant Classification Sherloc (09022015). Collection method: clinical testing. Allele origin: germline.

CeGaT Center for Human Genetics Tuebingen
Classification: Likely benign. Last evaluated: 2023-06-01. Review status: criteria provided, single submitter. Criteria: CeGaT Center For Human Genetics Tuebingen Variant Classification Criteria Version 2. Collection method: clinical testing. Allele origin: germline. Affected: yes. Observed: 3 variant alleles.
Comment: MYH7B: BP4, BP7

Breakthrough Genomics
Classification: Benign. Review status: criteria provided, single submitter. Criteria: ACMG Guidelines, 2015. Collection method: not provided. Allele origin: germline. Inheritance: Unknown mechanism. Affected: yes.

PreventionGenetics, part of Exact Sciences
Classification: Likely benign for MYH7B-related condition. Last evaluated: 2024-07-24. Review status: no assertion criteria provided. Collection method: clinical testing. Allele origin: germline. Not counted in ClinVar's aggregate classification.
Comment: This variant is classified as likely benign based on ACMG/AMP sequence variant interpretation guidelines (Richards et al. 2015 PMID: 25741868, with internal and published modifications).